The following is an entry in ClinVar:

NM_003737.4(DCHS1):c.3079C>T (p.Pro1027Ser)

Gene: DCHS1 (dachsous cadherin-related 1; minus strand). Cytogenetic location: 11p15.4.
Variant type: single nucleotide variant.
Coding change: c.3079C>T on transcript NM_003737.4 (MANE Select); coding-DNA position 3079, C replaced by T.
Protein change: p.Pro1027Ser; replaces proline 1027 with serine.
Molecular consequence: missense variant.
Genome position (GRCh38, 1-based): chr11:6,632,433, G>A on the plus strand (C>T on the coding strand, the complement: DCHS1 is on the minus strand). VCF-style: chr11-6632433-G-A. GRCh37 (hg19) VCF-style: chr11-6653664-G-A.
Other names: c.3079C>T (NM_003737.2); short protein forms P1027S.
Identifiers: ClinVar variation 2891725 (VCV002891725.4), dbSNP rs753113328, ClinGen allele CA5860606.
Genomic context (GRCh38, chr11:6,632,433, plus strand): 5'-GGCCAAAGGGGCTACTTGCTCCCTCTGCTGCAAGGTGATAGGTGATAGGGCCCCCATCTG[G>A]TGCTTGGGCCTGCACTTGCAGGACCTGAGTTCCAGCAGTGGTGCCTGAGGGCAGGTCCAC-3'
Protein context (NP_003728.1, residues 1017-1037): TQVLQVQAQA[Pro1027Ser]DGGPITYHLA

ClinVar aggregate classification (germline): Uncertain significance. Review status: criteria provided, multiple submitters, no conflicts (2 of 4 stars). 2 submissions from 2 submitters: Uncertain significance (2). Last evaluated 2025-09-08.

Conditions:
Inborn genetic diseases. Identifiers: MedGen C0950123, MeSH D030342.

Allele frequency attached by ClinVar (database versions not stated): gnomAD 0.00001; gnomAD exomes 0.00002; ExAC 0.00009.
gnomAD v4.1: 32 of 1,608,686 alleles (0.002%); highest among the groups gnomAD compares: South Asian, 0.028%; no homozygotes.

Submissions (2):

Labcorp Genetics (formerly Invitae), Labcorp
Classification: Uncertain significance. Last evaluated: 2025-09-08. Review status: criteria provided, single submitter. Criteria: Invitae Variant Classification Sherloc (09022015). Collection method: clinical testing. Allele origin: germline.
Comment: This sequence change replaces proline, which is neutral and non-polar, with serine, which is neutral and polar, at codon 1027 of the DCHS1 protein (p.Pro1027Ser). This variant is present in population databases (rs753113328, gnomAD 0.06%). This variant has not been reported in the literature in individuals affected with DCHS1-related conditions. ClinVar contains an entry for this variant (Variation ID: 2891725). Invitae Evidence Modeling of protein sequence and biophysical properties (such as structural, functional, and spatial information, amino acid conservation, physicochemical variation, residue mobility, and thermodynamic stability) indicates that this missense variant is not expected to disrupt DCHS1 protein function with a negative predictive value of 80%. In summary, the available evidence is currently insufficient to determine the role of this variant in disease. Therefore, it has been classified as a Variant of Uncertain Significance.

Ambry Genetics
Classification: Uncertain significance for Inborn genetic diseases. Last evaluated: 2025-02-04. Review status: criteria provided, single submitter. Criteria: Ambry Variant Classification Scheme 2023. Collection method: clinical testing. Allele origin: germline.